The following is an entry in ClinVar:

ClinVar aggregate classification (germline): Uncertain significance (1 of 4 stars; one submission).

Submission:

GeneDx
Classification: Uncertain significance. Last evaluated: 2025-01-06. Review status: criteria provided, single submitter. Criteria: GeneDx Variant Classification Process June 2021. Collection method: clinical testing. Allele origin: germline. Affected: yes.
Comment: Not observed at significant frequency in large population cohorts (gnomAD); In silico analysis supports that this missense variant has a deleterious effect on protein structure/function; Has not been previously published as pathogenic or benign to our knowledge

NM_003070.5(SMARCA2):c.4313A>C (p.Glu1438Ala)

Gene: SMARCA2 (SWI/SNF related BAF chromatin remodeling complex subunit ATPase 2; plus strand). Cytogenetic location: 9p24.3.
Variant type: single nucleotide variant.
Coding change: c.4313A>C on transcript NM_003070.5 (MANE Select); coding-DNA position 4313, A replaced by C.
Protein change: p.Glu1438Ala; replaces glutamic acid 1438 with alanine.
Molecular consequence: missense variant.
Genome position (GRCh38, 1-based): chr9:2,181,630, A>C. VCF-style: chr9-2181630-A-C. GRCh37 (hg19) VCF-style: chr9-2181630-A-C.
Other names: c.4313A>C, p.Glu1438Ala (NM_001289396.2); c.4085A>C, p.Glu1362Ala (NM_001289397.2); c.287A>C, p.Glu96Ala (NM_001289398.2); c.371A>C, p.Glu124Ala (NM_001289399.2); c.377A>C, p.Glu126Ala (NM_001289400.2); c.4259A>C, p.Glu1420Ala (NM_139045.4); short protein forms E126A, E1438A, E1420A, E124A, E1362A, E96A.
Identifiers: ClinVar variation 4056039 (VCV004056039.1).